The following is an entry in ClinVar:

ClinVar aggregate classification (germline): Uncertain significance (1 of 4 stars; one submission).

Submission:

Labcorp Genetics (formerly Invitae), Labcorp
Classification: Uncertain significance. Last evaluated: 2025-02-03. Review status: criteria provided, single submitter. Criteria: Invitae Variant Classification Sherloc (09022015). Collection method: clinical testing. Allele origin: germline.
Comment: This sequence change replaces proline, which is neutral and non-polar, with alanine, which is neutral and non-polar, at codon 1750 of the CCDC88A protein (p.Pro1750Ala). This variant is not present in population databases (gnomAD no frequency). This variant has not been reported in the literature in individuals affected with CCDC88A-related conditions. An algorithm developed to predict the effect of missense changes on protein structure and function (PolyPhen-2) suggests that this variant is likely to be tolerated. In summary, the available evidence is currently insufficient to determine the role of this variant in disease. Therefore, it has been classified as a Variant of Uncertain Significance.

NM_001365480.1(CCDC88A):c.5251C>G (p.Pro1751Ala)

Gene: CCDC88A (coiled-coil and HOOK domain protein 88A; minus strand). Cytogenetic location: 2p16.1.
Variant type: single nucleotide variant.
Coding change: c.5251C>G on transcript NM_001365480.1 (MANE Select); coding-DNA position 5251, C replaced by G.
Protein change: p.Pro1751Ala; replaces proline 1751 with alanine.
Molecular consequence: missense variant. On other transcripts: intron variant (1).
Genome position (GRCh38, 1-based): chr2:55,295,897, G>C on the plus strand (C>G on the coding strand, the complement: CCDC88A is on the minus strand). VCF-style: chr2-55295897-G-C. GRCh37 (hg19) VCF-style: chr2-55523033-G-C.
Other names: c.5248C>G, p.Pro1750Ala (NM_001135597.2); c.5167C>G, p.Pro1723Ala (NM_018084.5); c.5195+53C>G (NM_001254943.2); short protein forms P1751A, P1723A, P1750A.
Identifiers: ClinVar variation 4782184 (VCV004782184.1).